The following is an entry in ClinVar:

ClinVar aggregate classification (germline): Conflicting classifications of pathogenicity. Review status: criteria provided, conflicting classifications (1 of 4 stars). 5 submissions from 5 submitters: Likely pathogenic (3); Uncertain significance (2). Last evaluated 2025-08-22.

Conditions:
KPTN-related disorder. Also called: KPTN-related condition. Identifiers: MedGen CN381532.
Macrocephaly-developmental delay syndrome (MRT41). Also called: INTELLECTUAL DEVELOPMENTAL DISORDER, AUTOSOMAL RECESSIVE 41. Identifiers: Orphanet 397612, MedGen C3810225, MONDO:0014289, OMIM 615637.
Inborn genetic diseases. Identifiers: MedGen C0950123, MeSH D030342.

Allele frequency attached by ClinVar (database versions not stated): ExAC 0.00001; gnomAD 0.00001 and 0.00002; gnomAD exomes 0.00003 and 0.00004; TOPMed 0.00003; ESP Exome Variant Server 0.00008.
gnomAD v4.1: 28 of 1,613,940 alleles (0.0017%); highest among the groups gnomAD compares: Non-Finnish European, 0.002%; 1 homozygote.

Submissions (5):

GeneDx
Classification: Likely pathogenic. Last evaluated: 2025-08-22. Review status: criteria provided, single submitter. Criteria: GeneDx Variant Classification Process June 2021. Collection method: clinical testing. Allele origin: germline.
Comment: Has not been previously published as pathogenic or benign to our knowledge; In silico analysis supports that this missense variant has a deleterious effect on protein structure/function

Ambry Genetics
Classification: Uncertain significance for Inborn genetic diseases. Last evaluated: 2023-05-15. Review status: criteria provided, single submitter. Criteria: Ambry Variant Classification Scheme 2023. Collection method: clinical testing. Allele origin: germline.

Blueprint Genetics
Classification: Likely pathogenic for KPTN-related disorders. Last evaluated: 2022-05-09. Review status: criteria provided, single submitter. Criteria: ACMG Guidelines, 2015. Collection method: clinical testing. Allele origin: germline. Affected: yes. Observed: 5 variant alleles.

Labcorp Genetics (formerly Invitae), Labcorp
Classification: Uncertain significance for Macrocephaly-developmental delay syndrome. Last evaluated: 2020-10-19. Review status: criteria provided, single submitter. Criteria: Invitae Variant Classification Sherloc (09022015). Collection method: clinical testing. Allele origin: germline.
Comment: In summary, the available evidence is currently insufficient to determine the role of this variant in disease. Therefore, it has been classified as a Variant of Uncertain Significance. Algorithms developed to predict the effect of missense changes on protein structure and function are either unavailable or do not agree on the potential impact of this missense change (SIFT: "Deleterious"; PolyPhen-2: "Possibly Damaging"; Align-GVGD: "Class C0"). This variant has not been reported in the literature in individuals with KPTN-related conditions. ClinVar contains an entry for this variant (Variation ID: 803569). This variant is present in population databases (rs372955218, ExAC 0.002%). This sequence change replaces proline with leucine at codon 143 of the KPTN protein (p.Pro143Leu). The proline residue is highly conserved and there is a moderate physicochemical difference between proline and leucine.

Mendelics
Classification: Likely pathogenic for Macrocephaly-developmental delay syndrome. Last evaluated: 2019-05-28. Review status: criteria provided, single submitter. Criteria: Mendelics Assertion Criteria 2017. Collection method: clinical testing. Allele origin: unknown.

NM_007059.4(KPTN):c.428C>T (p.Pro143Leu)

Gene: KPTN (kaptin, actin binding protein; minus strand). Cytogenetic location: 19q13.32.
Variant type: single nucleotide variant.
Coding change: c.428C>T on transcript NM_007059.4 (MANE Select); coding-DNA position 428, C replaced by T.
Protein change: p.Pro143Leu; replaces proline 143 with leucine.
Molecular consequence: missense variant. On other transcripts: non-coding transcript variant (1).
Genome position (GRCh38, 1-based): chr19:47,483,182, G>A on the plus strand (C>T on the coding strand, the complement: KPTN is on the minus strand). VCF-style: chr19-47483182-G-A. GRCh37 (hg19) VCF-style: chr19-47986439-G-A.
Other names: c.260C>T, p.Pro87Leu (NM_001291296.2); c.428C>T (NM_007059.2, NM_007059.3); short protein forms P143L, P87L.
Identifiers: ClinVar variation 803569 (VCV000803569.14), dbSNP rs372955218, ClinGen allele CA9540457.